The following is an entry in ClinVar:

ClinVar aggregate classification (germline): Pathogenic (1 of 4 stars; one submission).

Conditions:
Neurofibromatosis, type 1 (NF1). Also called: Neurofibromatosis, type I; VON RECKLINGHAUSEN DISEASE; NEUROFIBROMATOSIS, TYPE I, SOMATIC; Peripheral type neurofibromatosis. Identifiers: Orphanet 636, MedGen C0027831, MONDO:0018975, OMIM 162200. Disease mechanism: loss of function.

Submission:

Labcorp Genetics (formerly Invitae), Labcorp
Classification: Pathogenic for Neurofibromatosis, type 1. Last evaluated: 2020-12-27. Review status: criteria provided, single submitter. Criteria: Invitae Variant Classification Sherloc (09022015). Collection method: clinical testing. Allele origin: germline.
Comment: This variant is not present in population databases (ExAC no frequency). This variant has not been reported in the literature in individuals with NF1-related conditions. For these reasons, this variant has been classified as Pathogenic. This sequence change creates a premature translational stop signal (p.Met902Asnfs*4) in the NF1 gene. It is expected to result in an absent or disrupted protein product. Loss-of-function variants in NF1 are known to be pathogenic (PMID: 10712197, 23913538).

Literature cited by the submitters: PubMed 10712197; PubMed 23913538.

NM_001042492.3(NF1):c.2700dup (p.Met902fs)

Gene: NF1 (neurofibromin 1; plus strand). Cytogenetic location: 17q11.2.
Variant type: Duplication.
Coding change: c.2700dup on transcript NM_001042492.3 (MANE Select); coding-DNA position 2700, one base duplicated (C; older notation c.2700dupC).
Protein change: p.Met902fs; shifts the reading frame from methionine 902.
Molecular consequence: frameshift variant.
Genome position (GRCh38, 1-based): chr17:31,229,315, C duplicated; the last of 2 consecutive C bases (chr17:31,229,314-31,229,315); duplicating either gives the same sequence. VCF-style (leftmost placement, unchanged base first): chr17-31229313-T-TC. GRCh37 (hg19) VCF-style: chr17-29556331-T-TC.
Other names: c.2700dup, p.Met902Asnfs (NM_000267.4); short protein forms M902fs.
Identifiers: ClinVar variation 1455086 (VCV001455086.6), dbSNP rs2151429472, ClinGen allele CA2573153311.